The following is an entry in ClinVar:

ClinVar aggregate classification (germline): Pathogenic/Likely pathogenic. Review status: criteria provided, multiple submitters, no conflicts (2 of 4 stars). 9 submissions from 9 submitters: Pathogenic (7); Likely pathogenic (1). 1 of the submissions does not count toward it. Last evaluated 2026-09-10.

Conditions:
TPO-related disorder. Also called: TPO-related condition.
Congenital hypothyroidism. Identifiers: Orphanet 442, MedGen C0010308, MONDO:0018612, HP:0000851.
Deficiency of iodide peroxidase (TDH2A). Also called: Thyroid dyshormonogenesis 2A; THYROID HORMONOGENESIS, GENETIC DEFECT IN, 2A; THYROID PEROXIDASE DEFICIENCY; HYPOTHYROIDISM, CONGENITAL, DUE TO DYSHORMONOGENESIS, 2A; IODIDE PEROXIDASE DEFICIENCY. Identifiers: Orphanet 95716, MedGen C1291299, MONDO:0010133, OMIM 274500.

Allele frequency attached by ClinVar (database versions not stated): gnomAD 0.00016 and 0.00018; TOPMed 0.00016; gnomAD exomes 0.00032 and 0.00033; ExAC 0.00035; 1000 Genomes Project 30x 0.00047; 1000 Genomes Project 0.00060.
gnomAD v4.1: 506 of 1,614,164 alleles (0.031%); highest among the groups gnomAD compares: Admixed American, 0.11%; 1 homozygote.

Submissions (9):

PreventionGenetics, part of Exact Sciences
Classification: Pathogenic for TPO-related condition. Last evaluated: 2026-09-10. Review status: criteria provided, single submitter. Criteria: ACMG Guidelines, 2015. Collection method: clinical testing. Allele origin: germline.
Comment: The TPO c.1978C>G variant is predicted to result in the amino acid substitution p.Gln660Glu. This variant has been reported in the homozygous and compound heterozygous states in multiple individuals with congenital hypothyroidism and has been observed to segregate with disease in at least six unrelated families (Santos et al. 1999. PubMed ID: 10468986; Rodrigues et al. 2005. PubMed ID: 15745925; Deladoëy et al. 2008. PubMed ID: 18029453). In silico modeling of the TPO protein predicted that the p.Gln660Glu variant leads to a loss of function by disrupting the heme binding site (Deladoëy et al. 2008. PubMed ID: 18029453). However, to our knowledge, this prediction has not been confirmed by functional studies. This variant is reported in 0.12% of alleles in individuals of Latino descent in gnomAD, including one homozygote. This variant is interpreted as pathogenic.

Dasa
Classification: Pathogenic. Last evaluated: 2026-02-21. Review status: criteria provided, single submitter. Criteria: DASA Assertion Criteria. Collection method: clinical testing. Allele origin: germline.
Comment: NM_001206744.2(TPO):c.1978C>G (p.Gln660Glu) introduces a glutamine-to-glutamic acid substitution affecting thyroid peroxidase function and has been recurrently observed in individuals with thyroid dyshormonogenesis (PMID: 10468986). Additionally, it is present at low frequency in population datasets. Based on the available data, this variant is classified as pathogenic.

GeneDx
Classification: Likely pathogenic. Last evaluated: 2025-09-10. Review status: criteria provided, single submitter. Criteria: GeneDx Variant Classification Process June 2021. Collection method: clinical testing. Allele origin: germline. Affected: yes.
Comment: In silico analysis supports that this missense variant has a deleterious effect on protein structure/function; This variant is associated with the following publications: (PMID: 28648508, 10468986, 18029453, 24482635, 25968604, 31589614, 31301652, 35995307, 34200080, 31430255, 34211162, 35272499, 34220711, Jeong2020[paper], 35507000, 15745925, 34248839, 36884306)

Fulgent Genetics
Classification: Pathogenic for Deficiency of iodide peroxidase. Last evaluated: 2024-05-30. Review status: criteria provided, single submitter. Criteria: ACMG Guidelines, 2015. Collection method: clinical testing. Allele origin: germline.

Labcorp Genetics (formerly Invitae), Labcorp
Classification: Pathogenic. Last evaluated: 2024-03-11. Review status: criteria provided, single submitter. Criteria: Invitae Variant Classification Sherloc (09022015). Collection method: clinical testing. Allele origin: germline.
Comment: This sequence change replaces glutamine, which is neutral and polar, with glutamic acid, which is acidic and polar, at codon 660 of the TPO protein (p.Gln660Glu). This variant is present in population databases (rs121908088, gnomAD 0.1%). This missense change has been observed in individual(s) with clinical features of thyroid dyshormonogenesis (PMID: 10468986, 15745925, 18029453, 24482635, 31430255). It has also been observed to segregate with disease in related individuals. This variant is also known as C to G at position 2068. ClinVar contains an entry for this variant (Variation ID: 4053). Advanced modeling of protein sequence and biophysical properties (such as structural, functional, and spatial information, amino acid conservation, physicochemical variation, residue mobility, and thermodynamic stability) has been performed at Invitae for this missense variant, however the output from this modeling did not meet the statistical confidence thresholds required to predict the impact of this variant on TPO protein function. For these reasons, this variant has been classified as Pathogenic.

Cambridge Genomics Laboratory, East Genomic Laboratory Hub, NHS Genomic Medicine Service
Classification: Pathogenic for Congenital hypothyroidism. Last evaluated: 2024-02-07. Review status: criteria provided, single submitter. Criteria: ACGS Best Practice Guidelines for Variant Classification in Rare Disease 2020. Collection method: clinical testing. Allele origin: germline. Affected: yes.
Comment: The p.Gln660Glu missense variant is predicted to be damaging by both SIFT and PolyPhen2. The glutamine residue at codon 660 of TPO is conserved in all mammalian species. The nucleotide c.1978 in TPO is predicted conserved by GERP++ and PhyloP across 100 vertebrates. (PP3 - Supporting) | The variant is observed in trans (in a compound heterozygous state) with another pathogenic variant. (PM3_VeryStrong - Very Strong) | The variant cosegregates with the disease in multiple affected family members. (PP1_Strong - Strong)

Victorian Clinical Genetics Services, Murdoch Childrens Research Institute
Classification: Pathogenic for Deficiency of iodide peroxidase. Last evaluated: 2020-10-19. Review status: criteria provided, single submitter. Criteria: ACMG Guidelines, 2015. Collection method: clinical testing. Allele origin: germline. Inheritance: Autosomal recessive inheritance. Affected: yes.
Comment: Based on the classification scheme VCGS_Germline_v1.1.1, this variant is classified as Pathogenic. Following criteria are met: 0102 - Loss-of-function is a known mechanism of disease for this gene. (N) 0106 - This gene is known to be associated with autosomal recessive disease. (N) 0200 - Variant is predicted to result in a missense amino acid change from glutamine to glutamic acid (exon 11). (N) 0251 - Variant is heterozygous. (N) 0304 - Variant is present in gnomAD <0.01 for a recessive condition (84 heterozygotes, 1 homozygote). (P) 0502 - Missense variant with conflicting in silico predictions and/or uninformative conservation. (N) 0600 - Variant is located in an annotated domain or motif (An_peroxidase domain; PDB, DECIPHER, NCBI). (N) 0705 - No comparable variants have previous evidence for pathogenicity. (N) 0801 - Strong previous evidence of pathogenicity in unrelated individuals. This variant has been identified in several patients with both non-toxic and toxic goiter and congenital hypothyroidism as homozygotes and compound heterzoygotes (ClinVar; PMID: 18029453, 15745925, 10468986) (P) 0901 - Strong evidence for segregation with disease. This variant has been shown to segregate in 5 families (PMID: 18029453, 15745925, 10468986). (P) 1007 - No published functional evidence has been identified for this variant. (N) 1208 - Inheritance information for this variant is not currently available. (N) Legend: (P) - Pathogenic, (N) - Neutral, (B) - Benign

Illumina Laboratory Services, Illumina
Classification: Pathogenic for Deficiency of iodide peroxidase. Last evaluated: 2019-01-07. Review status: criteria provided, single submitter. Criteria: ICSL Variant Classification Criteria 09 May 2019. Collection method: clinical testing. Allele origin: germline.
Comment: The TPO c.1978C>G (p.Gln660Glu) missense variant has been reported in at least four studies in which it is found in a total of 25 individuals affected with congenital hypothyroidism from 17 families, including in one in a homozygous state, in 14 in a compound heterozygous state and in 10 with unknown zygosity (Santos et al. 1999; Rodrigues et al. 2005; Deladoey et al. 2008; Al-Faisal et al. 2014). The p.Gln660Glu variant was absent from 75 controls and is reported at a frequency of 0.003326 in the Other population of the Exome Aggregation Consortium. The Gln660 residue is noted to be well conserved. Immunohistochemistry of the thyroid from an affected patient carrying the p.Gln660Glu variant with an anti-TPO antibody revealed a pattern similar to the normal control. However, the substitution of the glutamine residue by a glutamate severely affects the electrostatic potential of the residue generating an altered electrostatic environment around its catalytic site (Deladoey et al. 2008). Based on the collective data, the p.Gln660Glu variant is classified as pathogenic for congenital hypothyroidism. This variant was observed by ICSL as part of a predisposition screen in an ostensibly healthy population.

OMIM
Classification: Pathogenic for THYROID DYSHORMONOGENESIS 2A. Last evaluated: 2008-02-01. Review status: no assertion criteria provided. Collection method: literature only. Allele origin: germline. Not counted in ClinVar's aggregate classification.

Literature cited by the submitters: PubMed 10468986 (cited by 4 submitters); PubMed 15745925 (cited by 4 submitters); PubMed 18029453 (cited by 5 submitters); PubMed 24482635 (cited by 3 submitters); PubMed 31430255 (cited by Dasa and Labcorp Genetics (formerly Invitae), Labcorp).

NM_001206744.2(TPO):c.1978C>G (p.Gln660Glu)

Genes: LALTOP (lung cancer associated lncRNA targeting TOP2A; minus strand), TPO (thyroid peroxidase; plus strand). Cytogenetic location: 2p25.3.
Variant type: single nucleotide variant.
Coding change: c.1978C>G on transcript NM_001206744.2 (MANE Select); coding-DNA position 1978, C replaced by G.
Protein change: p.Gln660Glu; replaces glutamine 660 with glutamic acid.
Molecular consequence: missense variant.
Genome position (GRCh38, 1-based): chr2:1,494,011, C>G. VCF-style: chr2-1494011-C-G. GRCh37 (hg19) VCF-style: chr2-1497783-C-G.
Other names: c.1978C>G, p.Gln660Glu (NM_000547.6, NM_175721.3); c.1807C>G, p.Gln603Glu (NM_001206745.2, NM_175719.4); c.1459C>G, p.Gln487Glu (NM_175722.3); short protein forms Q660E, Q603E, Q487E.
Identifiers: ClinVar variation 4053 (VCV000004053.18), dbSNP rs121908088, ClinGen allele CA116635.